The following is an entry in ClinVar:

NM_006892.4(DNMT3B):c.583A>G (p.Ser195Gly)

Gene: DNMT3B (DNA methyltransferase 3 beta; plus strand). Cytogenetic location: 20q11.21.
Variant type: single nucleotide variant.
Coding change: c.583A>G on transcript NM_006892.4 (MANE Select); coding-DNA position 583, A replaced by G.
Protein change: p.Ser195Gly; replaces serine 195 with glycine.
Molecular consequence: missense variant.
Genome position (GRCh38, 1-based): chr20:32,787,380, A>G. VCF-style: chr20-32787380-A-G. GRCh37 (hg19) VCF-style: chr20-31375186-A-G.
Other names: c.457A>G, p.Ser153Gly (NM_001207055.2, NM_001424352.1, NM_001424354.1 and 3 more transcripts); c.355A>G, p.Ser119Gly (NM_001207056.2); c.583A>G, p.Ser195Gly (NM_001424351.1, NM_001424353.1, NM_001424355.1 and 2 more transcripts); c.619A>G, p.Ser207Gly (NM_001424359.1, NM_175850.3); c.493A>G, p.Ser165Gly (NM_001424360.1); short protein forms S153G, S207G, S165G, S195G, S119G.
Identifiers: ClinVar variation 2822200 (VCV002822200.3), dbSNP rs1568840224, ClinGen allele CA408586787.

ClinVar aggregate classification (germline): Uncertain significance (1 of 4 stars; one submission).

Conditions:
Centromeric instability of chromosomes 1,9 and 16 and immunodeficiency (ICF1). Also called: Immunodeficiency-centromeric instability-facial anomalies; IMMUNE DEFICIENCY, VARIABLE, WITH CENTROMERIC INSTABILITY OF CHROMOSOMES 1, 9, AND 16; IMMUNODEFICIENCY SYNDROME, VARIABLE; CENTROMERIC INSTABILITY, IMMUNODEFICIENCY SYNDROME. Identifiers: Orphanet 2268, MedGen C0398788, MONDO:0000133.

Submission:

Labcorp Genetics (formerly Invitae), Labcorp
Classification: Uncertain significance for Centromeric instability of chromosomes 1,9 and 16 and immunodeficiency. Last evaluated: 2023-11-25. Review status: criteria provided, single submitter. Criteria: Invitae Variant Classification Sherloc (09022015). Collection method: clinical testing. Allele origin: germline.
Comment: This sequence change replaces serine, which is neutral and polar, with glycine, which is neutral and non-polar, at codon 195 of the DNMT3B protein (p.Ser195Gly). This variant is not present in population databases (gnomAD no frequency). This variant has not been reported in the literature in individuals affected with DNMT3B-related conditions. Advanced modeling of protein sequence and biophysical properties (such as structural, functional, and spatial information, amino acid conservation, physicochemical variation, residue mobility, and thermodynamic stability) performed at Invitae indicates that this missense variant is not expected to disrupt DNMT3B protein function with a negative predictive value of 80%. In summary, the available evidence is currently insufficient to determine the role of this variant in disease. Therefore, it has been classified as a Variant of Uncertain Significance.